The following is an entry in ClinVar:

ClinVar aggregate classification (germline): Likely benign. Review status: criteria provided, multiple submitters, no conflicts (2 of 4 stars). 2 submissions from 2 submitters: Likely benign (2). Last evaluated 2024-02-04.

Submissions (2):

Labcorp Genetics (formerly Invitae), Labcorp
Classification: Likely benign. Last evaluated: 2024-02-04. Review status: criteria provided, single submitter. Criteria: Invitae Variant Classification Sherloc (09022015). Collection method: clinical testing. Allele origin: germline.

GeneDx
Classification: Likely benign. Last evaluated: 2016-04-08. Review status: criteria provided, single submitter. Criteria: GeneDx Variant Classification (06012015). Collection method: clinical testing. Allele origin: germline. Affected: yes.
Comment: This variant is considered likely benign or benign based on one or more of the following criteria: it is a conservative change, it occurs at a poorly conserved position in the protein, it is predicted to be benign by multiple in silico algorithms, and/or has population frequency not consistent with disease.

NM_007103.4(NDUFV1):c.326+7G>A

Gene: NDUFV1 (NADH:ubiquinone oxidoreductase core subunit V1; plus strand). Cytogenetic location: 11q13.2.
Variant type: single nucleotide variant.
Coding change: c.326+7G>A on transcript NM_007103.4 (MANE Select); 7 bases into the intron after coding-DNA position 326, G replaced by A.
Molecular consequence: intron variant.
Genome position (GRCh38, 1-based): chr11:67,608,729, G>A. VCF-style: chr11-67608729-G-A. GRCh37 (hg19) VCF-style: chr11-67376200-G-A.
Other names: c.299+7G>A (NM_001166102.2).
Identifiers: ClinVar variation 384996 (VCV000384996.3), dbSNP rs1057522096, ClinGen allele CA16606301.